The following is an entry in ClinVar:

ClinVar aggregate classification (germline): Pathogenic/Likely pathogenic. Review status: criteria provided, multiple submitters, no conflicts (2 of 4 stars). 13 submissions from 13 submitters: Pathogenic (9); Likely pathogenic (1). 3 of the submissions do not count toward it. Last evaluated 2026-06-29.

Conditions:
alpha Thalassemia. Also called: Alpha thalassemia spectrum. Identifiers: Orphanet 846, MedGen C0002312, MONDO:0011399, OMIM 604131.
Hemoglobin H disease (HBH). Also called: Hemoglobin H (HbH) Disease; ALPHA-THALASSEMIA, HEMOGLOBIN H TYPE; HEMOGLOBIN H DISEASE, DELETIONAL. Identifiers: Orphanet 93616, MedGen C3161174, MONDO:0013512, OMIM 613978. Disease mechanism: loss of function.
HBA2-related disorders.
beta Thalassemia (BTHAL). Also called: Cooley's anemia; Erythroblastic anemia; Mediterranean anemia. Identifiers: Orphanet 848, MedGen C0005283, MONDO:0019402. Disease mechanism: loss of function.
HBA2-related disorder. Also called: HBA2-related condition.
Erythrocytosis, familial, 7. Also called: ERYTHROCYTOSIS, ALPHA-GLOBIN TYPE; POLYCYTHEMIA, ALPHA-GLOBIN TYPE; ERYTHROCYTOSIS 7. Identifiers: MedGen C4693823, MONDO:0054802, OMIM 617981.
Heinz body anemia. Also called: Heinz body hemolytic anemia. Identifiers: Orphanet 178330, MedGen C0700299, MONDO:0007705, OMIM 140700, HP:0005511.

Allele frequency attached by ClinVar (database versions not stated): gnomAD exomes 0.00001; TOPMed 0.00001.
gnomAD v4.1: 15 of 1,532,660 alleles (0.00098%); highest among the groups gnomAD compares: Middle Eastern, 0.12%; 1 homozygote.

Submissions (13):

PreventionGenetics, part of Exact Sciences
Classification: Pathogenic for HBA2-related condition. Last evaluated: 2026-06-29. Review status: criteria provided, single submitter. Criteria: ACMG Guidelines, 2015. Collection method: clinical testing. Allele origin: germline.
Comment: The HBA2 c.*94A>G variant is located in the 3' untranslated region. This variant disrupts the consensus poly adenylation signal in the 3’ untranslated region, and is referred to as alpha T-Saudi. The c.*94A>G variant has been reported to be causative for alpha thalassemia in patients that had a second pathogenic alpha globin variant (Hassan et al. 2014. PubMed ID: 25370869; Ozalp et al. 2023. PubMed ID: 38708170; Tamary and Dgany. 2020. PubMed ID: 20301608). This variant is interpreted as pathogenic.

CeGaT Center for Human Genetics Tuebingen
Classification: Pathogenic. Last evaluated: 2025-10-01. Review status: criteria provided, single submitter. Criteria: CeGaT Center For Human Genetics Tuebingen Variant Classification Criteria Version 2. Collection method: clinical testing. Allele origin: germline. Affected: yes. Observed: 1 variant allele.
Comment: HBA2: PM3:Very Strong, PM2, PS3:Supporting

Natera, Inc.
Classification: Pathogenic for Alpha thalassemia. Last evaluated: 2025-09-21. Review status: criteria provided, single submitter. Criteria: Natera Variant Classification Schema (03/2026). Collection method: clinical testing. Allele origin: germline.
Comment: The c.*94A>G variant in HBA2 is a 3' untranslated region (UTR) variant located downstream of the translation stop codon. This variant is rare in the general population with a frequency below the threshold expected for the associated phenotype(s). This variant has been observed in one or more individuals affected with the associated recessive disease, as either homozygous or compound heterozygous with a second variant (PMID: 25370869). Computational prediction algorithms indicate this variant is likely to affect gene or protein function. Given the available evidence, this variant is classified as Pathogenic.

ARUP Laboratories, Molecular Genetics and Genomics, ARUP Laboratories
Classification: Pathogenic. Last evaluated: 2025-07-30. Review status: criteria provided, single submitter. Criteria: ARUP Molecular Germline Variant Investigation Process 2024. Collection method: clinical testing. Allele origin: germline.
Comment: The HBA2 c.429+94A>G variant (rs63751269, HbVar ID: 1070), also known as c.*94A>G, Poly A (A->G), or Hb T-Saudi, is reported in the literature in both homozygous individuals with an Hb H disease phenotype, and heterozygous carriers who were borderline microcytic and hypochromic without a significant anemia (Thein 1988, Yavarian 2005, HbVar and references therein). In addition, this variant has been observed in individuals affected with Hb H disease that also carried the pathogenic alpha -3.7 deletion (Yavarian 2005). The c.429+94A>G variant is absent from the Genome Aggregation Database (v2.1.1), indicating it is not a common polymorphism. This variant is predicted to disrupt the conserved polyadenylation signal and result in an elongated transcript. Consistent with these predictions, functional assays indicate a disruption of normal transcriptional termination and transcript polyadenylation both in cultured cells and in patient samples, resulting in reduced levels of the mature mRNA (Higgs 1983, Whitelaw 1986). Based on available information, this variant is considered to be pathogenic. References: Link to HbVar database: Higgs DR et al. Alpha-thalassaemia caused by a polyadenylation signal mutation. Nature. 1983 Nov 24-30;306(5941):398-400. PMID: 6646217. Thein SL et al. The polyadenylation site mutation in the alpha-globin gene cluster. Blood. 1988 Feb;71(2):313-9. PMID: 3337900. Whitelaw E et al. Alpha-thalassaemia caused by a poly(A) site mutation reveals that transcriptional termination is linked to 3' end processing in the human alpha 2 globin gene. EMBO J. 1986 Nov;5(11):2915-22. PMID: 3024968. Yavarian M et al. Molecular basis of Hb H disease in southwest Iran. Hemoglobin. 2005;29(1):43-50. PMID: 15768554.

3billion
Classification: Likely pathogenic for alpha Thalassemia. Last evaluated: 2025-07-29. Review status: criteria provided, single submitter. Criteria: ACMG Guidelines, 2015. Collection method: clinical testing. Allele origin: germline. Affected: yes.
Comment: The variant is observed at an extremely low frequency in the gnomAD v4.1.0 dataset (total allele frequency: 0.001%). Predicted Consequence/Location: 3' UTR variant The variant has been reported at least twice as pathogenic with clinical assertions and evidence for the classification (ClinVar ID: VCV000375749 /PMID: 6646217). Therefore, this variant is classified as Likely pathogenic according to the recommendation of ACMG/AMP guideline.

Quest Diagnostics Nichols Institute San Juan Capistrano
Classification: Pathogenic. Last evaluated: 2025-01-07. Review status: criteria provided, single submitter. Criteria: Quest Diagnostics criteria. Collection method: clinical testing. Allele origin: unknown.
Comment: The HBA2 c.*94A>G variant, also known as Poly A (A->G) or Hb T-Saudi, is located 94 nucleotides downstream of the translation termination codon of the alpha-2 globin gene in the polyadenylation signal (AATAAA>AATAAG). This variant interferes with polyadenylation of the alpha-2 globin mRNA and causes the synthesis of an extended alpha-2 globin mRNA transcript (PMIDs: 6646217 (1983), 3024968 (1986), and HbVar). The c.*94A>G variant is associated with moderate to severe alpha-thalassemia (PMIDs: 32831051 (2020) and 20854116 (2010)). Homozygosity for this variant is associated with Hb H disease (PMID: 7701914 (1994), 20507641 (2010), 25370869 (2014), 38708170 (2020), 38708170 (2024) and 39258179 (2024)). This variant has not been reported in large, multi-ethnic general populations (Genome Aggregation Database). Based on the available information, this variant is classified as pathogenic.

Blueprint Genetics
Classification: Pathogenic for HBA2-related disorders. Last evaluated: 2024-07-16. Review status: criteria provided, single submitter. Criteria: ACMG Guidelines, 2015. Collection method: clinical testing. Allele origin: germline. Affected: yes. Observed: 5 variant alleles.

GeneDx
Classification: Pathogenic. Last evaluated: 2023-02-01. Review status: criteria provided, single submitter. Criteria: GeneDx Variant Classification Process June 2021. Collection method: clinical testing. Allele origin: germline. Affected: yes.
Comment: Published functional studies demonstrate a damaging effect; specifically, the variant disrupts normal transcriptional termination and transcript polyadenylation and results in reduced levels of mature mRNA and HBA2 gene expression (Higgs et al., 1983; Whitelaw et al., 1986); In silico analysis is inconclusive as to whether the variant alters gene splicing. In the absence of RNA/functional studies, the actual effect of this sequence change is unknown.; Variant aliases include: T, T-Saudi , poly A1 , PA-1; This variant is associated with the following publications: (PMID: 25370869, 16103716, 20301608, 28385057, 24826794, 29032940, 22686351, 19205971, 11480787, 1281602, 6646217, 3024968, 34272389, 29627922)

Laboratory for Molecular Medicine, Mass General Brigham Personalized Medicine
Classification: Pathogenic for beta Thalassemia. Last evaluated: 2022-11-03. Review status: criteria provided, single submitter. Criteria: ACMG Guidelines, 2015. Collection method: clinical testing. Allele origin: germline.
Comment: The c.*94A>G variant in HBA2, also known as Poly A (A->G) or Hb T-Saudi, has been reported in several (both homozygous as well as compound heterozygous (with a pathogenic variant in trans))individuals with an Hb H disease phenotype, and heterozygous carriers who were borderline microcytic and hypochromic without a significant anemia (Fei 1992 PMID: 1281602, Adekile 1994 PMID: 7701914, Thein 1988 PMID: 3337900, Yavarian 2005 PMID: 15768554, HbVar ). It has also been reported in ClinVar (Variation ID375749) and was absent from large population databases. This variant is predicted to disrupt the conserved polyadenylation signal and result in an elongated transcript. In vitro functional studies (both using cultured cells and patient samples) support an impact on protein function as they show a disruption of normal transcriptional termination and transcript polyadenylation, resulting in reduced levels of the mature mRNA (Higgs 1983 PMID: 6646217, Whitelaw 1986 PMID: 3024968). In summary, this variant meets criteria to be classified as pathogenic for autosomal recessive Hb H disease. ACMG/AMP Criteria applied: PM3 Very strong, PM2_supporting, PS3_Moderate, PP3).

Fulgent Genetics
Classification: Pathogenic for Heinz body anemia; alpha Thalassemia; Hemoglobin H disease; Erythrocytosis, familial, 7. Last evaluated: 2022-01-10. Review status: criteria provided, single submitter. Criteria: ACMG Guidelines, 2015. Collection method: clinical testing. Allele origin: unknown.

Biochemical Molecular Genetic Laboratory, King Abdulaziz Medical City
Classification: Pathogenic for alpha Thalassemia. Last evaluated: 2019-08-25. Review status: no assertion criteria provided. Collection method: clinical testing. Allele origin: germline. Affected: yes. Not counted in ClinVar's aggregate classification.

GeneReviews
No classification provided. Condition: alpha Thalassemia. Review status: no classification provided. Collection method: literature only. Allele origin: germline. Not counted in ClinVar's aggregate classification.

Genomic Medicine Center of Excellence, King Faisal Specialist Hospital and Research Centre
Classification: Uncertain significance for Hemoglobin H disease. Last evaluated: 2024-03-29. Review status: flagged submission. Criteria: ACMG Guidelines, 2015. Collection method: clinical testing. Allele origin: germline. Not counted in ClinVar's aggregate classification.
ClinVar note: Reason: Outlier claim with insufficient supporting evidence

Literature cited by the submitters: PubMed 25370869 (cited by Natera, Inc. and Quest Diagnostics Nichols Institute San Juan Capistrano); PubMed 6646217 (cited by 3billion and Quest Diagnostics Nichols Institute San Juan Capistrano); PubMed 20507641 (cited by Quest Diagnostics Nichols Institute San Juan Capistrano); PubMed 7701914 (cited by Quest Diagnostics Nichols Institute San Juan Capistrano); PubMed 3024968 (cited by Quest Diagnostics Nichols Institute San Juan Capistrano); PubMed 23491071 (cited by Quest Diagnostics Nichols Institute San Juan Capistrano); PubMed 29627922 (cited by Quest Diagnostics Nichols Institute San Juan Capistrano); PubMed 39258179 (cited by Quest Diagnostics Nichols Institute San Juan Capistrano); PubMed 38708170 (cited by Quest Diagnostics Nichols Institute San Juan Capistrano); PubMed 32831051 (cited by Quest Diagnostics Nichols Institute San Juan Capistrano); PubMed 37606495 (cited by Quest Diagnostics Nichols Institute San Juan Capistrano); PubMed 20854116 (cited by Quest Diagnostics Nichols Institute San Juan Capistrano); PubMed 37745687 (cited by Quest Diagnostics Nichols Institute San Juan Capistrano); NCBI Bookshelf NBK1435 (cited by GeneReviews).

NM_000517.6(HBA2):c.*94A>G

Genes: HBA2 (hemoglobin subunit alpha 2; plus strand), LOC106804612 (hemoglobin subunit alpha 2 recombination region; plus strand). Cytogenetic location: 16p13.3.
Variant type: single nucleotide variant.
Coding change: c.*94A>G on transcript NM_000517.6 (MANE Select); 94 bases downstream of the stop codon, A replaced by G.
Molecular consequence: 3 prime UTR variant.
Genome position (GRCh38, 1-based): chr16:173,694, A>G. VCF-style: chr16-173694-A-G. GRCh37 (hg19) VCF-style: chr16-223693-A-G.
Other names: c.*94A>G (NM_000517.5).
Identifiers: ClinVar variation 375749 (VCV000375749.77), dbSNP rs63751269, ClinGen allele CA16602272.
Genomic context (GRCh38, chr16:173,694, plus strand): 5'-TGGGCCTCCCAACGGGCCCTCCTCCCCTCCTTGCACCGGCCCTTCCTGGTCTTTGAATAA[A>G]GTCTGAGTGGGCAGCAGCCTGTGTGTGCCTGGGTTCTCTCTATCCCGGAATGTGCCAACA-3'